The following is an entry in ClinVar:

NM_003611.3(OFD1):c.89G>A (p.Arg30Gln)

Genes: OFD1 (OFD1 centriole and centriolar satellite protein; plus strand), LOC126863212 (CDK7 strongly-dependent group 2 enhancer GRCh37_chrX:13752241-13753440; plus strand). Cytogenetic location: Xp22.2.
Variant type: single nucleotide variant.
Coding change: c.89G>A on transcript NM_003611.3 (MANE Select); coding-DNA position 89, G replaced by A.
Protein change: p.Arg30Gln; replaces arginine 30 with glutamine.
Molecular consequence: missense variant. On other transcripts: 5 prime UTR variant (1).
Genome position (GRCh38, 1-based): chrX:13,735,324, G>A. VCF-style: chrX-13735324-G-A. GRCh37 (hg19) VCF-style: chrX-13753443-G-A.
Other names: c.89G>A, p.Arg30Gln (NM_001330209.2); c.-457G>A (NM_001330210.2); short protein forms R30Q.
Identifiers: ClinVar variation 404263 (VCV000404263.12), dbSNP rs1060500185, ClinGen allele CA16616434.

ClinVar aggregate classification (germline): Uncertain significance. Review status: criteria provided, multiple submitters, no conflicts (2 of 4 stars). 2 submissions from 2 submitters: Uncertain significance (2). Last evaluated 2023-07-07.

Conditions:
Orofaciodigital syndrome I (OFD1). Also called: OFDS I; Papillon-Leage and Psaume Syndrome; Oral-Facial-Digital Syndrome Type I. Identifiers: Orphanet 2750, MedGen C1510460, MONDO:0010702, OMIM 311200.
Joubert syndrome. Also called: JOUBERT-BOLTSHAUSER SYNDROME; Familial aplasia of the vermis; CEREBELLOPARENCHYMAL DISORDER IV. Identifiers: Orphanet 475, MedGen C5979921, MONDO:0018772.

Allele frequency attached by ClinVar (database versions not stated): TOPMed 0.00001.

Submissions (2):

Labcorp Genetics (formerly Invitae), Labcorp
Classification: Uncertain significance for Orofaciodigital syndrome I; Joubert syndrome. Last evaluated: 2023-07-07. Review status: criteria provided, single submitter. Criteria: Invitae Variant Classification Sherloc (09022015). Collection method: clinical testing. Allele origin: germline.
Comment: Advanced modeling of protein sequence and biophysical properties (such as structural, functional, and spatial information, amino acid conservation, physicochemical variation, residue mobility, and thermodynamic stability) performed at Invitae indicates that this missense variant is not expected to disrupt OFD1 protein function. ClinVar contains an entry for this variant (Variation ID: 404263). This variant has not been reported in the literature in individuals affected with OFD1-related conditions. This variant is not present in population databases (gnomAD no frequency). This sequence change replaces arginine, which is basic and polar, with glutamine, which is neutral and polar, at codon 30 of the OFD1 protein (p.Arg30Gln). In summary, the available evidence is currently insufficient to determine the role of this variant in disease. Therefore, it has been classified as a Variant of Uncertain Significance.

GeneDx
Classification: Uncertain significance. Last evaluated: 2022-01-18. Review status: criteria provided, single submitter. Criteria: GeneDx Variant Classification Process June 2021. Collection method: clinical testing. Allele origin: germline. Affected: yes.
Comment: In silico analysis supports that this missense variant has a deleterious effect on protein structure/function; Not observed at significant frequency in large population cohorts (gnomAD); Has not been previously published as pathogenic or benign to our knowledge